The following is an entry in ClinVar:

ClinVar aggregate classification (germline): Likely benign. Review status: criteria provided, multiple submitters, no conflicts (2 of 4 stars). 9 submissions from 6 submitters: Likely benign (9). Last evaluated 2025-10-02.

Conditions:
Kidney disorder. Also called: renal disease; renal disorder; Nephropathy; Kidney disease; Kidney Diseases. Identifiers: MedGen C0022658, MONDO:0005240, HP:0000112.
Hemolytic uremic syndrome, atypical, susceptibility to, 1. Also called: AHUS, SUSCEPTIBILITY TO, 1. Identifiers: Orphanet 2134, Orphanet 90038, MedGen C2749604, MONDO:0009335, OMIM 235400. Disease mechanism: Other.
Factor H deficiency (CFHD). Also called: COMPLEMENT FACTOR H DEFICIENCY; CFH DEFICIENCY. Identifiers: Orphanet 200421, MedGen C0398777, MONDO:0012350, OMIM 609814.
Basal laminar drusen. Also called: DRUSEN OF BRUCH MEMBRANE; DRUSEN, CUTICULAR; DRUSEN, EARLY ADULT-ONSET, GROUPED. Identifiers: Orphanet 75376, MedGen C0730295, MONDO:0007472, OMIM 126700.
Age related macular degeneration 4. Identifiers: MedGen C1853147, MONDO:0012540, OMIM 610698.
Atypical hemolytic-uremic syndrome. Identifiers: Orphanet 2134, MedGen C2931788, MONDO:0016244.

Allele frequency attached by ClinVar (database versions not stated): gnomAD 0.00003; gnomAD exomes 0.00005; ExAC 0.00007; TOPMed 0.00007; ESP Exome Variant Server 0.00008.
gnomAD v4.1: 87 of 1,612,896 alleles (0.0054%); highest among the groups gnomAD compares: Middle Eastern, 0.083%; no homozygotes.

Submissions (9):

Genomenon, Inc
Classification: Likely benign for Basal laminar drusen; Age related macular degeneration 4; Atypical hemolytic-uremic syndrome; Factor H deficiency. Last evaluated: 2025-10-02. Review status: criteria provided, single submitter. Criteria: Genomenon Sequence Variant Interpretation Standards - Updated. Collection method: curation. Allele origin: germline. Affected: no.
Comment: CFH p.Gly539= (c.1617T>C) is a synonymous variant that retains Glycine at residue 539. This variant has been reported in the published literature (PMID:36211394). This synonymous variant is not predicted to impact splicing. It is absent or not present at a significant frequency in gnomAD. In conclusion, we classify CFH p.Gly539= (c.1617T>C) as a likely benign variant.

Labcorp Genetics (formerly Invitae), Labcorp
Classification: Likely benign. Last evaluated: 2025-07-23. Review status: criteria provided, single submitter. Criteria: Invitae Variant Classification Sherloc (09022015). Collection method: clinical testing. Allele origin: germline.

Mayo Clinic Laboratories, Mayo Clinic
Classification: Likely benign. Last evaluated: 2025-06-02. Review status: criteria provided, single submitter. Criteria: ACMG Guidelines, 2015. Collection method: clinical testing. Allele origin: germline. Observed: 1 variant allele.
Comment: BP4, BP7

Blueprint Genetics
Classification: Likely benign. Last evaluated: 2024-09-22. Review status: criteria provided, single submitter. Criteria: ACMG Guidelines, 2015. Collection method: clinical testing. Allele origin: germline.

Genome-Nilou Lab
Classification: Likely benign for Hemolytic uremic syndrome, atypical, susceptibility to, 1. Last evaluated: 2023-04-11. Review status: criteria provided, single submitter. Criteria: ACMG Guidelines, 2015. Collection method: clinical testing. Allele origin: germline. Affected: no.

Genome-Nilou Lab
Classification: Likely benign for Age related macular degeneration 4. Last evaluated: 2023-04-11. Review status: criteria provided, single submitter. Criteria: ACMG Guidelines, 2015. Collection method: clinical testing. Allele origin: germline. Affected: no.

Genome-Nilou Lab
Classification: Likely benign for Basal laminar drusen. Last evaluated: 2023-04-11. Review status: criteria provided, single submitter. Criteria: ACMG Guidelines, 2015. Collection method: clinical testing. Allele origin: germline. Affected: no.

Genome-Nilou Lab
Classification: Likely benign for Factor H deficiency. Last evaluated: 2023-04-11. Review status: criteria provided, single submitter. Criteria: ACMG Guidelines, 2015. Collection method: clinical testing. Allele origin: germline. Affected: no.

Genome Diagnostics Laboratory, The Hospital for Sick Children
Classification: Likely benign for Kidney disorder. Last evaluated: 2017-02-06. Review status: criteria provided, single submitter. Criteria: ACMG Guidelines, 2015. Collection method: clinical testing. Allele origin: germline.

Literature cited by the submitters: PubMed 36211394 (cited by Genomenon, Inc).

NM_000186.4(CFH):c.1617T>C (p.Gly539=)

Gene: CFH (complement factor H; plus strand). Cytogenetic location: 1q31.3.
Variant type: single nucleotide variant.
Coding change: c.1617T>C on transcript NM_000186.4 (MANE Select); coding-DNA position 1617, T replaced by C.
Protein change: p.Gly539=; no amino-acid change (glycine 539 retained).
Molecular consequence: synonymous variant.
Genome position (GRCh38, 1-based): chr1:196,715,690, T>C. VCF-style: chr1-196715690-T-C. GRCh37 (hg19) VCF-style: chr1-196684820-T-C.
Other names: p.Gly539=.
Identifiers: ClinVar variation 1712448 (VCV001712448.11), dbSNP rs147170171, ClinGen allele CA1305448.